The following is an entry in ClinVar:

NM_001379081.2(FREM1):c.5449G>A (p.Gly1817Arg)

Gene: FREM1 (FRAS1 related extracellular matrix 1; minus strand). Cytogenetic location: 9p22.3.
Variant type: single nucleotide variant.
Coding change: c.5449G>A on transcript NM_001379081.2 (MANE Select); coding-DNA position 5449, G replaced by A.
Protein change: p.Gly1817Arg; replaces glycine 1817 with arginine.
Molecular consequence: missense variant. On other transcripts: non-coding transcript variant (2), intron variant (1).
Genome position (GRCh38, 1-based): chr9:14,750,235, C>T on the plus strand (G>A on the coding strand, the complement: FREM1 is on the minus strand). VCF-style: chr9-14750235-C-T. GRCh37 (hg19) VCF-style: chr9-14750233-C-T.
Other names: c.5449G>A (NM_144966.5); c.1057G>A, p.Gly353Arg (NM_001177704.3, NM_001370061.2); c.5449G>A, p.Gly1817Arg (NM_144966.7); c.1016-1596G>A (NM_001370058.2); short protein forms G353R, G1817R.
Identifiers: ClinVar variation 1901435 (VCV001901435.6), dbSNP rs756024658, ClinGen allele CA4989750.

ClinVar aggregate classification (germline): Uncertain significance. Review status: criteria provided, multiple submitters, no conflicts (2 of 4 stars). 2 submissions from 2 submitters: Uncertain significance (2). Last evaluated 2025-08-21.

Conditions:
Inborn genetic diseases. Identifiers: MedGen C0950123, MeSH D030342.

Allele frequency attached by ClinVar (database versions not stated): ExAC 0.00001; gnomAD 0.00001; gnomAD exomes 0.00001; TOPMed 0.00002.
gnomAD v4.1: 17 of 1,612,614 alleles (0.0011%); highest among the groups gnomAD compares: East Asian, 0.0045%; no homozygotes.

Submissions (2):

Ambry Genetics
Classification: Uncertain significance for Inborn genetic diseases. Last evaluated: 2025-08-21. Review status: criteria provided, single submitter. Criteria: Ambry Variant Classification Scheme 2023. Collection method: clinical testing. Allele origin: germline.

Labcorp Genetics (formerly Invitae), Labcorp
Classification: Uncertain significance. Last evaluated: 2022-04-06. Review status: criteria provided, single submitter. Criteria: Invitae Variant Classification Sherloc (09022015). Collection method: clinical testing. Allele origin: germline.
Comment: Algorithms developed to predict the effect of missense changes on protein structure and function are either unavailable or do not agree on the potential impact of this missense change (SIFT: "Tolerated"; PolyPhen-2: "Possibly Damaging"; Align-GVGD: "Class C0"). In summary, the available evidence is currently insufficient to determine the role of this variant in disease. Therefore, it has been classified as a Variant of Uncertain Significance. This variant has not been reported in the literature in individuals affected with FREM1-related conditions. This variant is present in population databases (rs756024658, gnomAD 0.003%). This sequence change replaces glycine, which is neutral and non-polar, with arginine, which is basic and polar, at codon 1817 of the FREM1 protein (p.Gly1817Arg).